The following is an entry in ClinVar:

ClinVar aggregate classification (germline): Pathogenic/Likely pathogenic. Review status: criteria provided, multiple submitters, no conflicts (2 of 4 stars). 4 submissions from 4 submitters: Pathogenic (2); Likely pathogenic (1). 1 of the submissions does not count toward it. Last evaluated 2024-12-25.

Conditions:
Phenylketonuria (PKU). Also called: Phenylketonuria (PKU); FOLLING DISEASE; OLIGOPHRENIA PHENYLPYRUVICA; Phenylketonurias. Identifiers: Orphanet 716, MedGen C0031485, MONDO:0009861, OMIM 261600. Disease mechanism: loss of function.

gnomAD v4.1: 10 of 1,613,688 alleles (0.00062%); highest among the groups gnomAD compares: Non-Finnish European, 0.00076%; no homozygotes.

Submissions (4):

Labcorp Genetics (formerly Invitae), Labcorp
Classification: Pathogenic for Phenylketonuria. Last evaluated: 2024-12-25. Review status: criteria provided, single submitter. Criteria: Invitae Variant Classification Sherloc (09022015). Collection method: clinical testing. Allele origin: germline.
Comment: This sequence change replaces aspartic acid, which is acidic and polar, with glycine, which is neutral and non-polar, at codon 143 of the PAH protein (p.Asp143Gly). This variant is not present in population databases (gnomAD no frequency). This missense change has been observed in individual(s) with PAH-related conditions (PMID: 8889583, 18937047, 21147011; internal data). ClinVar contains an entry for this variant (Variation ID: 102666). Invitae Evidence Modeling of protein sequence and biophysical properties (such as structural, functional, and spatial information, amino acid conservation, physicochemical variation, residue mobility, and thermodynamic stability) indicates that this missense variant is not expected to disrupt PAH protein function with a negative predictive value of 80%. Experimental studies have shown that this missense change affects PAH function (PMID: 8889583, 9450897, 10980574, 18937047, 21953985). For these reasons, this variant has been classified as Pathogenic.

Baylor Genetics
Classification: Likely pathogenic for Phenylketonuria. Last evaluated: 2024-02-12. Review status: criteria provided, single submitter. Criteria: ACMG Guidelines, 2015. Collection method: clinical testing. Allele origin: unknown.

Quest Diagnostics Nichols Institute San Juan Capistrano
Classification: Pathogenic. Last evaluated: 2023-05-02. Review status: criteria provided, single submitter. Criteria: Quest Diagnostics criteria. Collection method: clinical testing. Allele origin: unknown.
Comment: This variant has not been reported in large, multi-ethnic general populations. In the published literature, the variant has been reported in individuals with classic phenylketonuria (PKU) (PMID: 8889583 (1996)), mild PKU (PMID: 30037505 (2018), 32668217 (2020)), and mild hyperphenylalaninaemia (MPH) (PMID: 18937047 (2009)). Functional studies report this variant results in a damaging effect on PAH protein function (PMID: 8889583 (1996), 18937047 (2009)). Analysis of this variant using bioinformatics tools for the prediction of the effect of amino acid changes on protein structure and function yielded predictions that this variant is damaging. Based on the available information, this variant is classified as pathogenic.

DeBelle Laboratory for Biochemical Genetics, MUHC/MCH RESEARCH INSTITUTE
No classification provided. Review status: no classification provided. Collection method: not provided. Allele origin: not provided. Not counted in ClinVar's aggregate classification.

Literature cited by the submitters: PubMed 8889583 (cited by Labcorp Genetics (formerly Invitae), Labcorp and Quest Diagnostics Nichols Institute San Juan Capistrano); PubMed 18937047 (cited by Labcorp Genetics (formerly Invitae), Labcorp and Quest Diagnostics Nichols Institute San Juan Capistrano); PubMed 21147011 (cited by Labcorp Genetics (formerly Invitae), Labcorp); PubMed 9450897 (cited by Labcorp Genetics (formerly Invitae), Labcorp); PubMed 10980574 (cited by Labcorp Genetics (formerly Invitae), Labcorp); PubMed 21953985 (cited by Labcorp Genetics (formerly Invitae), Labcorp and Quest Diagnostics Nichols Institute San Juan Capistrano); PubMed 30037505 (cited by Quest Diagnostics Nichols Institute San Juan Capistrano); PubMed 32668217 (cited by Quest Diagnostics Nichols Institute San Juan Capistrano).

NM_000277.3(PAH):c.428A>G (p.Asp143Gly)

Gene: PAH (phenylalanine hydroxylase; minus strand). Cytogenetic location: 12q23.2.
Variant type: single nucleotide variant.
Coding change: c.428A>G on transcript NM_000277.3 (MANE Select); coding-DNA position 428, A replaced by G.
Protein change: p.Asp143Gly; replaces aspartic acid 143 with glycine.
Molecular consequence: missense variant.
Genome position (GRCh38, 1-based): chr12:102,877,475, T>C on the plus strand (A>G on the coding strand, the complement: PAH is on the minus strand). VCF-style: chr12-102877475-T-C. GRCh37 (hg19) VCF-style: chr12-103271253-T-C.
Other names: c.428A>G, p.Asp143Gly (NM_001354304.2); short protein forms D143G.
Identifiers: ClinVar variation 102666 (VCV000102666.11), dbSNP rs199475572, ClinGen allele CA229538.